The following is an entry in ClinVar:

NM_024649.5(BBS1):c.1609-7A>G

Genes: BBS1 (Bardet-Biedl syndrome 1; plus strand), ZDHHC24 (zDHHC palmitoyltransferase 24; minus strand). Cytogenetic location: 11q13.2.
Variant type: single nucleotide variant.
Coding change: c.1609-7A>G on transcript NM_024649.5 (MANE Select); 7 bases into the intron before coding-DNA position 1609, A replaced by G.
Molecular consequence: intron variant.
Genome position (GRCh38, 1-based): chr11:66,531,649, A>G. VCF-style: chr11-66531649-A-G. GRCh37 (hg19) VCF-style: chr11-66299120-A-G.
Other names: c.560-2161T>C (NM_001348571.2).
Identifiers: ClinVar variation 1915548 (VCV001915548.4), dbSNP rs2495847322, ClinGen allele CA2580084828.

ClinVar aggregate classification (germline): Uncertain significance. Review status: criteria provided, multiple submitters, no conflicts (2 of 4 stars). 2 submissions from 2 submitters: Uncertain significance (2). Last evaluated 2024-11-05.

Conditions:
Bardet-Biedl syndrome (BBS). Identifiers: Orphanet 110, MedGen C0752166, MONDO:0015229.

gnomAD v4.1: 3 of 1,613,960 alleles (0.00019%); highest among the groups gnomAD compares: African/African-American, 0.0027%; no homozygotes.

Submissions (2):

Labcorp Genetics (formerly Invitae), Labcorp
Classification: Uncertain significance for Bardet-Biedl syndrome. Last evaluated: 2024-11-05. Review status: criteria provided, single submitter. Criteria: Invitae Variant Classification Sherloc (09022015). Collection method: clinical testing. Allele origin: germline.
Comment: This sequence change falls in intron 15 of the BBS1 gene. It does not directly change the encoded amino acid sequence of the BBS1 protein. This variant is not present in population databases (gnomAD no frequency). This variant has not been reported in the literature in individuals affected with BBS1-related conditions. ClinVar contains an entry for this variant (Variation ID: 1915548). Algorithms developed to predict the effect of sequence changes on RNA splicing suggest that this variant may disrupt the consensus splice site. In summary, the available evidence is currently insufficient to determine the role of this variant in disease. Therefore, it has been classified as a Variant of Uncertain Significance.

GeneDx
Classification: Uncertain significance. Last evaluated: 2023-07-27. Review status: criteria provided, single submitter. Criteria: GeneDx Variant Classification Process June 2021. Collection method: clinical testing. Allele origin: germline. Affected: yes.
Comment: Not observed at significant frequency in large population cohorts (gnomAD); In silico analysis supports a deleterious effect on splicing; Has not been previously published as pathogenic or benign to our knowledge